The following continues an entry in ClinVar:

NM_000051.4(ATM):c.4324T>C (p.Tyr1442His)

Gene: ATM. ClinVar aggregate classification (germline): Conflicting classifications of pathogenicity. Uncertain significance (16); Benign (2); Likely benign (9).

Submissions 15 to 28 of 28:

Quest Diagnostics Nichols Institute San Juan Capistrano
Classification: Likely benign. Last evaluated: 2023-02-08. Review status: criteria provided, single submitter. Criteria: Quest Diagnostics criteria. Collection method: clinical testing. Allele origin: unknown.

MGZ Medical Genetics Center
Classification: Uncertain significance for Familial cancer of breast. Last evaluated: 2022-07-15. Review status: criteria provided, single submitter. Criteria: ACMG Guidelines, 2015. Collection method: clinical testing. Allele origin: germline. Affected: yes. Observed: 2 variant alleles.
Comment: ACMG criteria applied: PP3

CHEO Genetics Diagnostic Laboratory, Children's Hospital of Eastern Ontario
Classification: Uncertain significance for Breast and/or ovarian cancer. Last evaluated: 2022-06-21. Review status: criteria provided, single submitter. Criteria: ACMG Guidelines, 2015. Collection method: clinical testing. Allele origin: germline.

Clinical Genetics Laboratory, Skane University Hospital Lund
Classification: Uncertain significance. Last evaluated: 2022-05-27. Review status: criteria provided, single submitter. Criteria: ACMG Guidelines, 2015. Collection method: clinical testing. Allele origin: germline. Affected: yes.

Revvity Omics, Revvity
Classification: Uncertain significance for Ataxia-telangiectasia syndrome. Last evaluated: 2022-04-01. Review status: criteria provided, single submitter. Criteria: ACMG Guidelines, 2015. Collection method: clinical testing. Allele origin: germline.

St. Jude Molecular Pathology, St. Jude Children's Research Hospital
Classification: Uncertain significance for Ataxia-telangiectasia syndrome. Last evaluated: 2022-01-22. Review status: criteria provided, single submitter. Criteria: St. Jude Assertion Criteria 2020. Collection method: clinical testing. Allele origin: germline.
Comment: The ATM c.4324T>C (p.Tyr1442His) missense change has a maximum frequency of 0.060% in gnomAD v2.1.1. Five of seven in silico tools predict a deleterious effect of this variant on protein function (PP3), but to our knowledge these predictions have not been confirmed by functional assays. This variant has been reported in individuals with breast cancer (PMID: 17393301, 17623063, 19781682, 20346647, 22420423, 25186627, 26976419, 28779002, 29522266, 30303537, 31882575, 32885271, 34445631), Ewing sarcoma (PMID: 33332384), high grade glioma (PMID: 26580448), pancreatic cancer (PMID: 25479140), colorectal cancer (PMID: 29338072, 30166531), and chronic lymphocytic leukemia (PMID: 24172824, 28652578). Other studies have observed this variant in relatively equal numbers of cases and controls (PMID: 19781682, 28652578, 30303537). In addition, four individuals with this variant are reported in a database of women older than 70 years of age who have never had cancer (FLOSSIES database). In summary, this variant meets criteria to be classified as of uncertain significance based on the ACMG/AMP criteria: PP3.

Institute for Clinical Genetics, University Hospital TU Dresden, University Hospital TU Dresden
Classification: Uncertain significance. Last evaluated: 2021-11-03. Review status: criteria provided, single submitter. Criteria: ACMG Guidelines, 2015. Collection method: clinical testing. Allele origin: germline.

Sema4
Classification: Uncertain significance for Hereditary cancer-predisposing syndrome. Last evaluated: 2021-10-26. Review status: criteria provided, single submitter. Criteria: Sema4 Curation Guidelines. Collection method: curation. Allele origin: germline.
Comment: The ATM c.4324T>C (p.Y1442H) variant has been reported in heterozygosity in individuals with breast and/or ovarian cancer or chronic lymphocytic leukemia (PMID: 19781682, 27153395, 30303537, 28652578, 17393301, 21787400, among others). However, this variant has also been reported in unaffected controls (PMID: 33471991, 30303537). It was observed in 78/128820 chromosomes of the Non-Finnish European subpopulation, with 0 homozygotes, in the large and broad cohorts of the Genome Aggregation Database (PMID: 32461654). The variant has been reported in ClinVar (Variation ID 127385). In silico tools suggest the impact of the variant on protein function is deleterious, though these predictions have not been confirmed by functional studies. The evidence is insufficient to meet ACMG/AMP criteria for classifying the variant as benign or pathogenic. Thus, the clinical significance of this variant is currently uncertain.

Division of Medical Genetics, University of Washington
Classification: Uncertain significance for Familial cancer of breast. Last evaluated: 2020-04-09. Review status: criteria provided, single submitter. Criteria: ACMG Guidelines, 2015. Collection method: clinical testing. Allele origin: germline. Affected: no. Study: CSER_CHARM.
Comment: This variant has been reported in the literature in individuals with breast and/or ovarian cancer (Broecks 2008, Tavtigian 2009, Knappskog 2012, Lu 2015, Maxell 2016, Tung 2016). This variant has an overall allele frequency of 0.0003 in the Broad Institute gnomAD Browser. In silico analyses indicate this is an evolutionarily conserved residue. Thus, it is unknown at this time whether this variant increases cancer risk. PP3

Genetic Services Laboratory, University of Chicago
Classification: Uncertain significance. Last evaluated: 2020-02-17. Review status: criteria provided, single submitter. Criteria: ACMG Guidelines, 2015. Collection method: clinical testing. Allele origin: germline. Affected: no.
Comment: DNA sequence analysis of the ATM gene demonstrated a sequence change, c.4324T>C, in exon 29 that results in an amino acid change, p.Tyr1442His. The p.Tyr1442His change has been reported in individuals with breast cancer (PMID: 19781682, 27153395, 17393301, 22420423, 26976419, 26689913), as well as in a case-control study for chronic lymphocytic leukemia (PMID: 28652578). This sequence change has been described in the gnomAD database with a frequency of 0.061% in European populations (dbSNP rs201666889). The p.Tyr1442His change affects a highly conserved amino acid residue located in a domain of the ATM protein that is not known to be functional. The p.Tyr1442His substitution appears to be deleterious using several in-silico pathogenicity prediction tools (SIFT, PolyPhen2, Align GVGD, REVEL). Due to the lack of functional studies, the clinical significance of the p.Tyr1442His change remains unknown at this time.

Ambry Genetics
Classification: Benign for Hereditary cancer-predisposing syndrome. Last evaluated: 2019-05-14. Review status: criteria provided, single submitter. Criteria: Ambry Variant Classification Scheme 2023. Collection method: clinical testing. Allele origin: germline.

Clinical Genetics DNA and cytogenetics Diagnostics Lab, Erasmus MC, Erasmus Medical Center
Classification: Uncertain significance for Ataxia-telangiectasia syndrome. Last evaluated: 2017-06-15. Review status: criteria provided, single submitter. Criteria: ACGS Guidelines, 2013. Collection method: clinical testing. Allele origin: germline. Affected: yes. Study: VKGL Data-share Consensus.

Fulgent Genetics
Classification: Uncertain significance for Familial cancer of breast; Ataxia-telangiectasia syndrome. Last evaluated: 2017-05-23. Review status: criteria provided, single submitter. Criteria: ACMG Guidelines, 2015. Collection method: clinical testing. Allele origin: unknown.

Department of Pathology and Laboratory Medicine, Sinai Health System
Classification: Uncertain significance for Malignant tumor of breast. Review status: no assertion criteria provided. Collection method: clinical testing. Allele origin: unknown. Affected: yes. Observed: 1 variant allele. Study: The Canadian Open Genetics Repository (COGR). Not counted in ClinVar's aggregate classification.
Comment: The ATM p.Tyr1442His variant was identified in 7 of 11034 proband chromosomes (frequency: 0.001) from individuals or families with breast cancer, and was not identified in 4798 control chromosomes from healthy individuals (Broeks 2008, Knappskog 2012, Maxwell 2016, Tavtigian 2009, Tung 2016). The variant was also identified in the following databases: dbSNP (ID: rs201666889) as With Uncertain significance allele, ClinVar (classified as uncertain significance by GeneDx, Invitae, Color Genomics and two clinical laboratories; classified as benign by Ambry Genetics), and LOVD 3.0 (VUS). The variant was not identified in the GeneInsight-COGR, Cosmic, or MutDB databases. The variant was identified in control databases in 82 of 276704 chromosomes at a frequency of 0.0003 (Genome Aggregation Database Feb 27, 2017). It was observed in the following populations: Other in 1 of 6442 chromosomes (freq: 0.000155), European Non-Finnish in 76 of 126378 chromosomes (freq: 0.001), European Finnish in 5 of 25776 chromosomes (freq: 0.0002); it was not observed in the African, Latino, Ashkenazi Jewish, East Asian, and South Asian populations. The p.Tyr1442 residue is conserved across mammals and other organisms, and four out of five computational analyses (PolyPhen-2, SIFT, AlignGVGD, BLOSUM, MutationTaster) suggest that the variant may impact the protein; however, this information is not predictive enough to assume pathogenicity. The variant occurs outside of the splicing consensus sequence and in silico or computational prediction software programs (SpliceSiteFinder, MaxEntScan, NNSPLICE, GeneSplicer, HumanSpliceFinder) do not predict a difference in splicing. In summary, based on the above information, the clinical significance of this variant cannot be determined with certainty at this time. This variant is classified as a variant of uncertain significance.

Literature cited by the submitters: PubMed 17393301 (cited by 4 submitters); PubMed 21787400 (cited by 4 submitters); PubMed 19781682 (cited by 4 submitters); PubMed 20305132 (cited by 3 submitters); PubMed 17623063 (cited by 3 submitters); PubMed 25479140 (cited by 3 submitters); PubMed 22420423 (cited by 4 submitters); PubMed 20346647 (cited by 3 submitters); PubMed 26976419 (cited by 5 submitters); PubMed 27067391 (cited by 3 submitters); PubMed 27153395 (cited by 4 submitters); PubMed 30426508 (cited by 3 submitters); PubMed 30303537 (cited by 4 submitters); PubMed 31882575 (cited by 3 submitters); PubMed 33471991 (cited by 4 submitters); PubMed 36029002 (cited by 3 submitters); PubMed 34262154 (cited by Center for Genomic Medicine, Rigshospitalet, Copenhagen University Hospital); PubMed 24172824 (cited by Athena Diagnostics and Quest Diagnostics Nichols Institute San Juan Capistrano); PubMed 28779002 (cited by Athena Diagnostics and Quest Diagnostics Nichols Institute San Juan Capistrano); PubMed 26689913 (cited by Athena Diagnostics and Quest Diagnostics Nichols Institute San Juan Capistrano); PubMed 28652578 (cited by 3 submitters); PubMed 25085752 (cited by Myriad Genetics, Inc.).